The following is an entry in ClinVar:

ClinVar aggregate classification (germline): Uncertain significance. Review status: criteria provided, multiple submitters, no conflicts (2 of 4 stars). 2 submissions from 2 submitters: Uncertain significance (2). Last evaluated 2025-05-14.

Submissions (2):

Labcorp Genetics (formerly Invitae), Labcorp
Classification: Uncertain significance. Last evaluated: 2025-05-14. Review status: criteria provided, single submitter. Criteria: Invitae Variant Classification Sherloc (09022015). Collection method: clinical testing. Allele origin: germline.
Comment: This sequence change creates a premature translational stop signal (p.Ser779Hisfs*6) in the DNA2 gene. It is expected to result in an absent or disrupted protein product. However, the current clinical and genetic evidence is not sufficient to establish whether loss-of-function variants in DNA2 cause disease. The frequency data for this variant in the population databases is considered unreliable, as metrics indicate poor data quality at this position in the gnomAD database. This variant has not been reported in the literature in individuals affected with DNA2-related conditions. ClinVar contains an entry for this variant (Variation ID: 2042140). In summary, the available evidence is currently insufficient to determine the role of this variant in disease. Therefore, it has been classified as a Variant of Uncertain Significance.

Mayo Clinic Laboratories, Mayo Clinic
Classification: Uncertain significance. Last evaluated: 2024-05-21. Review status: criteria provided, single submitter. Criteria: ACMG Guidelines, 2015. Collection method: clinical testing. Allele origin: germline. Observed: 1 variant allele.

NM_001080449.3(DNA2):c.2335del (p.Ser779fs)

Gene: DNA2 (DNA replication helicase/nuclease 2; minus strand). Cytogenetic location: 10q21.3.
Variant type: Deletion.
Coding change: c.2335del on transcript NM_001080449.3 (MANE Select); coding-DNA position 2335, one base deleted (T; older notation c.2335delT).
Protein change: p.Ser779fs; shifts the reading frame from serine 779.
Molecular consequence: frameshift variant. On other transcripts: non-coding transcript variant (1).
Genome position (GRCh38, 1-based): chr10:68,422,764, A deleted on the plus strand (T on the coding strand, the reverse complement: DNA2 is on the minus strand); the first of 9 consecutive A bases (chr10:68,422,764-68,422,772); deleting any one gives the same sequence. VCF-style (leftmost placement, unchanged base first): chr10-68422763-GA-G. GRCh37 (hg19) VCF-style: chr10-70182520-GA-G.
Other names: p.Ser779Hisfs*6; short protein forms S779fs.
Identifiers: ClinVar variation 2042140 (VCV002042140.5), dbSNP rs745893364, ClinGen allele CA5524848.